The following is an entry in ClinVar:

ClinVar aggregate classification (germline): Conflicting classifications of pathogenicity. Review status: criteria provided, conflicting classifications (1 of 4 stars). 16 submissions from 11 submitters: Uncertain significance (14); Benign (1). 1 of the submissions does not count toward it. Last evaluated 2026-03-23.

Conditions:
Weill-Marchesani syndrome. Also called: WM Syndrome; Mesodermal dysmorphodystrophy congenital. Identifiers: Orphanet 3449, MedGen C0265313, MONDO:0018096.
Marfan syndrome (MFS). Also called: Marfan syndrome, classic; FBN1-Related Marfan Syndrome; Marfan syndrome type 1; Marfan's syndrome; MARFAN SYNDROME, TYPE I. Identifiers: Orphanet 284963, Orphanet 558, MedGen C0024796, MONDO:0007947, OMIM 154700.
MASS syndrome (OCTD). Also called: OVERLAP CONNECTIVE TISSUE DISEASE; MASS PHENOTYPE. Identifiers: MedGen C1858556, MONDO:0011431, OMIM 604308.
Weill-Marchesani syndrome 2, dominant. Also called: Weill-Marchesani Syndrome, Autosomal Dominant; FBN1-Related Weill-Marchesani Syndrome. Identifiers: Orphanet 2084, MedGen C1869115, MONDO:0012013, OMIM 608328.
Acromicric dysplasia (ACMICD). Also called: Acromicric skeletal dysplasia. Identifiers: Orphanet 969, MedGen C0265287, MONDO:0007055, OMIM 102370.
Ectopia lentis 1, isolated, autosomal dominant (ECTOL1). Identifiers: Orphanet 1885, MedGen C3541518, MONDO:0007514, OMIM 129600.
Stiff skin syndrome (SSKS). Identifiers: Orphanet 2833, MedGen C1861456, MONDO:0008492, OMIM 184900.
Geleophysic dysplasia 2 (GPHYSD2). Identifiers: Orphanet 2623, MedGen C3280054, MONDO:0013612, OMIM 614185.
Progeroid and marfanoid aspect-lipodystrophy syndrome. Also called: MARFANOID-PROGEROID SYNDROME; MARFAN-PROGEROID-LIPODYSTROPHY SYNDROME; Marfan lipodystrophy syndrome; MARFANOID-PROGEROID-LIPODYSTROPHY SYNDROME. Identifiers: Orphanet 300382, MedGen C4310796, MONDO:0014831, OMIM 616914.
Familial thoracic aortic aneurysm and aortic dissection (TAAD). Also called: Thoracic aortic aneurysms and dissections. Identifiers: Orphanet 91387, MedGen C4707243, MONDO:0019625.

Allele frequency attached by ClinVar (database versions not stated): gnomAD 0.00003; gnomAD exomes 0.00004; TOPMed 0.00002; ExAC 0.00002; ESP Exome Variant Server 0.00008; 1000 Genomes Project 30x 0.00016.
gnomAD v4.1: 61 of 1,611,862 alleles (0.0038%); highest among the groups gnomAD compares: East Asian, 0.011%; no homozygotes.

Submissions (16):

Women's Health and Genetics/Laboratory Corporation of America, LabCorp
Classification: Uncertain significance. Last evaluated: 2026-03-23. Review status: criteria provided, single submitter. Criteria: LabCorp Variant Classification Summary - May 2015. Collection method: clinical testing. Allele origin: germline.
Comment: Variant summary: FBN1 c.7241G>A (p.Arg2414Gln) results in a conservative amino acid change in the encoded protein sequence. Algorithms developed to predict the effect of missense changes on protein structure and function are either unavailable or do not agree on the potential impact of this missense change. The variant allele was found at a frequency of 3.6e-05 in 251202 control chromosomes. The available data on variant occurrences in the general population are insufficient to allow any conclusion about variant significance. c.7241G>A has been observed in individuals affected with clinical features of Marfan Syndrome and ectopia lentis (Sakai_2006, Chen_2002) and in an individual with suspected hereditary thoracic aortic disease (Overwater_2018), without strong evidence of causality. These reports do not provide unequivocal conclusions about association of the variant with Marfan Syndrome. To our knowledge, no experimental evidence demonstrating an impact on protein function has been reported. The following publications have been ascertained in the context of this evaluation (PMID: 34818515, 29907982, 16835936). ClinVar contains an entry for this variant (Variation ID: 161234). Based on the evidence outlined above, the variant was classified as uncertain significance.

Labcorp Genetics (formerly Invitae), Labcorp
Classification: Benign for Marfan syndrome; Familial thoracic aortic aneurysm and aortic dissection. Last evaluated: 2025-08-17. Review status: criteria provided, single submitter. Criteria: Invitae Variant Classification Sherloc (09022015). Collection method: clinical testing. Allele origin: germline.

Color Diagnostics, LLC DBA Color Health
Classification: Uncertain significance for Familial thoracic aortic aneurysm and aortic dissection. Last evaluated: 2025-01-07. Review status: criteria provided, single submitter. Criteria: ACMG Guidelines, 2015. Collection method: clinical testing. Allele origin: germline.
Comment: This missense variant replaces arginine with glutamine at codon 2414 of the FBN1 protein. Computational prediction suggests that this variant may not impact protein structure and function. To our knowledge, functional studies have not been reported for this variant. This variant has been reported in two individuals from one family affected with ectopia lentis; both affected individuals also carried a different likely pathogenic variant in the same gene (PMID: 34281902). This variant has also been reported in two related individuals affected Marfan-related phenotypes and with a family history of Marfan syndrome (PMID: 16835936). This variant has been identified in 9/251202 chromosomes in the general population by the Genome Aggregation Database (gnomAD). The available evidence is insufficient to determine the role of this variant in disease conclusively. Therefore, this variant is classified as a Variant of Uncertain Significance.

Ambry Genetics
Classification: Uncertain significance for Familial thoracic aortic aneurysm and aortic dissection. Last evaluated: 2024-09-15. Review status: criteria provided, single submitter. Criteria: Ambry Variant Classification Scheme 2023. Collection method: clinical testing. Allele origin: germline.
Comment: The p.R2414Q variant (also known as c.7241G>A), located in coding exon 58 of the FBN1 gene, results from a G to A substitution at nucleotide position 7241. The arginine at codon 2414 is replaced by glutamine, an amino acid with highly similar properties. This alteration has been reported in a Marfan syndrome cohort, noting individuals with this alteration did not fulfill Ghent criteria (Sakai H et al. Am J Med Genet A, 2006 Aug;140:1719-25). Additionally, this alteration was detected in an ectopia lentis cohort in an individual with an additional alteration in FBN1 identified (Chen Z et al. Br J Ophthalmol, 2022 Dec;106:1655-1661). This amino acid position is not well conserved in available vertebrate species. In addition, the in silico prediction for this alteration is inconclusive. Based on the available evidence, the clinical significance of this variant remains unclear.

Blueprint Genetics
Classification: Uncertain significance. Last evaluated: 2024-02-22. Review status: criteria provided, single submitter. Criteria: ACMG Guidelines, 2015. Collection method: clinical testing. Allele origin: germline.

All of Us Research Program, National Institutes of Health
Classification: Uncertain significance for Marfan syndrome. Last evaluated: 2023-12-01. Review status: criteria provided, single submitter. Criteria: ACMG Guidelines, 2015. Collection method: clinical testing. Allele origin: germline. Inheritance: Autosomal dominant inheritance. Observed: 12 variant alleles, 12 heterozygotes.
Comment: This missense variant replaces arginine with glutamine at codon 2414 of the FBN1 protein. Computational prediction suggests that this variant may not impact protein structure and function (internally defined REVEL score threshold <= 0.5, PMID: 27666373). To our knowledge, functional studies have not been reported for this variant. This variant has been reported in two related individuals with Marfan-related phenotype from a family with history of Marfan syndrome (PMID: 16835936). This variant has not been identified in the general population by the Genome Aggregation Database (gnomAD). The available evidence is insufficient to determine the role of this variant in disease conclusively. Therefore, this variant is classified as a Variant of Uncertain Significance.

This study involves interpretation of variants in research participants for the purpose of population health screening. Participant phenotype was not available at the time of variant classification. Additional details can be found in publication PMID: 35346344, PMCID: PMC8962531

GeneDx
Classification: Uncertain significance. Last evaluated: 2023-10-09. Review status: criteria provided, single submitter. Criteria: GeneDx Variant Classification Process June 2021. Collection method: clinical testing. Allele origin: germline. Affected: yes.
Comment: Reported in individuals with suspected TAAD or Marfan syndrome who did not meet Ghent criteria (Sakai et al., 2006; Overwater et al., 2018); In silico analysis, which includes protein predictors and evolutionary conservation, supports that this variant does not alter protein structure/function; Although located in a calcium-binding EGF-like domain of the FBN1 gene, it does not affect a cysteine residue within this domain; cysteine substitutions in the calcium-binding EGF-like domains represent the majority of pathogenic missense changes associated with FBN1-related disorders (Collod-Beroud et al., 2003); This variant is associated with the following publications: (PMID: 22913777, 27647783, 24941995, 25812041, 25637381, 16835936, 29907982, 12938084)

Fulgent Genetics
Classification: Uncertain significance for Acromicric dysplasia; Ectopia lentis 1, isolated, autosomal dominant; Marfan syndrome; Stiff skin syndrome; MASS syndrome; Weill-Marchesani syndrome 2, dominant; Geleophysic dysplasia 2; Progeroid and marfanoid aspect-lipodystrophy syndrome. Last evaluated: 2021-12-05. Review status: criteria provided, single submitter. Criteria: ACMG Guidelines, 2015. Collection method: clinical testing. Allele origin: unknown.

Illumina Laboratory Services, Illumina
Classification: Uncertain significance for Familial thoracic aortic aneurysm and aortic dissection. Last evaluated: 2017-04-27. Review status: criteria provided, single submitter. Criteria: ICSL Variant Classification Criteria 13 December 2019. Collection method: clinical testing. Allele origin: germline.

Illumina Laboratory Services, Illumina
Classification: Uncertain significance for Acromicric dysplasia. Last evaluated: 2017-04-27. Review status: criteria provided, single submitter. Criteria: ICSL Variant Classification Criteria 13 December 2019. Collection method: clinical testing. Allele origin: germline.

Illumina Laboratory Services, Illumina
Classification: Uncertain significance for Ectopia lentis 1, isolated, autosomal dominant. Last evaluated: 2017-04-27. Review status: criteria provided, single submitter. Criteria: ICSL Variant Classification Criteria 13 December 2019. Collection method: clinical testing. Allele origin: germline.

Illumina Laboratory Services, Illumina
Classification: Uncertain significance for Marfan syndrome. Last evaluated: 2017-04-27. Review status: criteria provided, single submitter. Criteria: ICSL Variant Classification Criteria 13 December 2019. Collection method: clinical testing. Allele origin: germline.
Comment: This variant was observed as part of a predisposition screen in an ostensibly healthy population. A literature search was performed for the gene, cDNA change, and amino acid change (where applicable). Publications were found based on this search. However, the evidence from the literature, in combination with allele frequency data from public databases where available, was not sufficient to rule this variant in or out of causing disease. Therefore, this variant is classified as a variant of unknown significance.

Illumina Laboratory Services, Illumina
Classification: Uncertain significance for Stiff skin syndrome. Last evaluated: 2017-04-27. Review status: criteria provided, single submitter. Criteria: ICSL Variant Classification Criteria 13 December 2019. Collection method: clinical testing. Allele origin: germline.

Illumina Laboratory Services, Illumina
Classification: Uncertain significance for Weill-Marchesani syndrome. Last evaluated: 2017-04-27. Review status: criteria provided, single submitter. Criteria: ICSL Variant Classification Criteria 13 December 2019. Collection method: clinical testing. Allele origin: germline.

Soonchunhyang University Bucheon Hospital, Soonchunhyang University Medical Center
Classification: Uncertain significance for Marfan syndrome. Last evaluated: 2016-03-18. Review status: criteria provided, single submitter. Criteria: ACMG Guidelines, 2015. Collection method: reference population. Allele origin: germline. Observed: 1 variant allele.

CSER _CC_NCGL, University of Washington
Classification: Likely benign for Marfan syndrome. Last evaluated: 2014-06-01. Review status: no assertion criteria provided. Collection method: research. Allele origin: germline. Inheritance: Autosomal dominant inheritance. Study: ESP 6500 variant annotation. Not counted in ClinVar's aggregate classification.
Comment: Variants classified for the Actionable exomic incidental findings in 6503 participants: challenges of variant classification manuscript

Literature cited by the submitters: PubMed 16835936 (cited by 6 submitters); PubMed 29907982 (cited by Women's Health and Genetics/Laboratory Corporation of America, LabCorp); PubMed 34818515 (cited by Women's Health and Genetics/Laboratory Corporation of America, LabCorp); PubMed 34281902 (cited by Color Diagnostics, LLC DBA Color Health and Ambry Genetics); PubMed 24941995 (cited by Illumina Laboratory Services, Illumina and Soonchunhyang University Bucheon Hospital, Soonchunhyang University Medical Center); PubMed 25812041 (cited by Illumina Laboratory Services, Illumina); PubMed 25637381 (cited by Illumina Laboratory Services, Illumina).

NM_000138.5(FBN1):c.7241G>A (p.Arg2414Gln)

Gene: FBN1 (fibrillin 1; minus strand). Cytogenetic location: 15q21.1.
Variant type: single nucleotide variant.
Coding change: c.7241G>A on transcript NM_000138.5 (MANE Select); coding-DNA position 7241, G replaced by A.
Protein change: p.Arg2414Gln; replaces arginine 2414 with glutamine.
Molecular consequence: missense variant.
Genome position (GRCh38, 1-based): chr15:48,425,828, C>T on the plus strand (G>A on the coding strand, the complement: FBN1 is on the minus strand). VCF-style: chr15-48425828-C-T. GRCh37 (hg19) VCF-style: chr15-48718025-C-T.
Other names: short protein forms R2414Q.
Identifiers: ClinVar variation 161234 (VCV000161234.39), dbSNP rs143863014, ClinGen allele CA017125.